The following is an entry in ClinVar:

ClinVar aggregate classification (germline): Benign (1 of 4 stars; one submission).

Conditions:
Lynch syndrome 4 (LYNCH4). Also called: Colorectal cancer, hereditary nonpolyposis, type 4; Hereditary non-polyposis colorectal cancer, type 4. Identifiers: Orphanet 144, MedGen C1838333, MONDO:0013699, OMIM 614337. Disease mechanism: loss of function.

Submission:

Myriad Genetics, Inc.
Classification: Benign for Lynch syndrome 4. Last evaluated: 2025-01-30. Review status: criteria provided, single submitter. Criteria: Myriad Autosomal Dominant, Autosomal Recessive and X-Linked Classification Criteria (2023). Collection method: clinical testing. Allele origin: unknown.
Comment: This variant is considered benign. This variant is a silent/synonymous amino acid change and it is not expected to impact splicing.

NM_000535.7(PMS2):c.1263A>G (p.Arg421=)

Gene: PMS2 (PMS1 homolog 2, mismatch repair system component; minus strand). Cytogenetic location: 7p22.1.
Variant type: single nucleotide variant.
Coding change: c.1263A>G on transcript NM_000535.7 (MANE Select); coding-DNA position 1263, A replaced by G.
Protein change: p.Arg421=; no amino-acid change (arginine 421 retained).
Molecular consequence: synonymous variant. On other transcripts: non-coding transcript variant (1), intron variant (1).
Genome position (GRCh38, 1-based): chr7:5,987,502, T>C on the plus strand (A>G on the coding strand, the complement: PMS2 is on the minus strand). VCF-style: chr7-5987502-T-C. GRCh37 (hg19) VCF-style: chr7-6027133-T-C.
Other names: c.858A>G, p.Arg286= (NM_001322003.2, NM_001322004.2, NM_001322005.2 and 16 more transcripts); c.1107A>G, p.Arg369= (NM_001322006.2, NM_001406870.1); c.945A>G, p.Arg315= (NM_001322007.2, NM_001322008.2, NM_001406876.1 and 2 more transcripts); c.702A>G, p.Arg234= (NM_001322010.2, NM_001406906.1, NM_001406907.1); c.330A>G, p.Arg110= (NM_001322011.2, NM_001322012.2); c.690A>G, p.Arg230= (NM_001322013.2, NM_001406909.1); c.1263A>G, p.Arg421= (NM_001322014.2, NM_001406871.1, NM_001406872.1); c.954A>G, p.Arg318= (NM_001322015.2, NM_001406875.1, NM_001406877.1 and 5 more transcripts); and 13 more.
Identifiers: ClinVar variation 3903566 (VCV003903566.1).